The following is an entry in ClinVar:

NM_000419.5(ITGA2B):c.1707C>T (p.Gly569=)

Gene: ITGA2B (integrin subunit alpha 2b; minus strand). Cytogenetic location: 17q21.31.
Variant type: single nucleotide variant.
Coding change: c.1707C>T on transcript NM_000419.5 (MANE Select); coding-DNA position 1707, C replaced by T.
Protein change: p.Gly569=; no amino-acid change (glycine 569 retained).
Molecular consequence: synonymous variant.
Genome position (GRCh38, 1-based): chr17:44,380,047, G>A on the plus strand (C>T on the coding strand, the complement: ITGA2B is on the minus strand). VCF-style: chr17-44380047-G-A. GRCh37 (hg19) VCF-style: chr17-42457415-G-A.
Other names: c.1707C>T (NM_000419.4).
Identifiers: ClinVar variation 2801257 (VCV002801257.4), dbSNP rs368190179, ClinGen allele CA8602977.

ClinVar aggregate classification (germline): Likely benign. Review status: criteria provided, multiple submitters, no conflicts (2 of 4 stars). 2 submissions from 2 submitters: Likely benign (2). Last evaluated 2026-06-15.

Conditions:
Glanzmann thrombasthenia. Also called: PLATELET GLYCOPROTEIN IIb-IIIa DEFICIENCY; THROMBASTHENIA OF GLANZMANN AND NAEGELI; Thrombasthenia; Glanzmann's thrombasthenia. Identifiers: Orphanet 849, MedGen C0040015, MONDO:0100326.
ITGA2B-related disorder. Also called: ITGA2B-related condition; ITGA2B-related disorders.

Allele frequency attached by ClinVar (database versions not stated): TOPMed 0.00004; ExAC 0.00005; gnomAD 0.00005; ESP Exome Variant Server 0.00015.
gnomAD v4.1: 195 of 1,613,764 alleles (0.012%); highest among the groups gnomAD compares: Non-Finnish European, 0.015%; no homozygotes.

Submissions (2):

PreventionGenetics, part of Exact Sciences
Classification: Likely benign for ITGA2B-related condition. Last evaluated: 2026-06-15. Review status: criteria provided, single submitter. Criteria: ACMG Guidelines, 2015. Collection method: clinical testing. Allele origin: germline.
Comment: This variant is classified as likely benign based on ACMG/AMP sequence variant interpretation guidelines (Richards et al. 2015 PMID: 25741868, with internal and published modifications).

Labcorp Genetics (formerly Invitae), Labcorp
Classification: Likely benign for Glanzmann thrombasthenia. Last evaluated: 2025-11-23. Review status: criteria provided, single submitter. Criteria: Invitae Variant Classification Sherloc (09022015). Collection method: clinical testing. Allele origin: germline.